The following is an entry in ClinVar:

NM_000038.6(APC):c.1458_1460delinsCGA (p.Gly487Glu)

Gene: APC (APC regulator of Wnt signaling pathway; plus strand). Cytogenetic location: 5q22.2.
Variant type: Indel.
Coding change: c.1458_1460delinsCGA on transcript NM_000038.6 (MANE Select); coding-DNA positions 1458 to 1460, TGG replaced by CGA.
Protein change: p.Gly487Glu; replaces glycine 487 with glutamic acid.
Molecular consequence: missense variant.
Genome position (GRCh38, 1-based): chr5:112,827,157-112,827,159, TGG replaced by CGA. VCF-style: chr5-112827157-TGG-CGA. GRCh37 (hg19) VCF-style: chr5-112162854-TGG-CGA.
Other names: c.1458_1460delinsCGA, p.Gly487Glu (NM_001127510.3, NM_001354895.2); c.1404_1406delinsCGA, p.Gly469Glu (NM_001127511.3); c.1512_1514delinsCGA, p.Gly505Glu (NM_001354896.2); c.1488_1490delinsCGA, p.Gly497Glu (NM_001354897.2); c.1383_1385delinsCGA, p.Gly462Glu (NM_001354898.2); c.1374_1376delinsCGA, p.Gly459Glu (NM_001354899.2); c.1335_1337delinsCGA, p.Gly446Glu (NM_001354900.2); c.1281_1283delinsCGA, p.Gly428Glu (NM_001354901.2); and 5 more; short protein forms G361E, G396E, G204E, G459E, G505E, G386E, G462E, G487E.
Identifiers: ClinVar variation 490205 (VCV000490205.6), dbSNP rs1554081678, ClinGen allele CA658683406.

ClinVar aggregate classification (germline): Uncertain significance (1 of 4 stars; one submission).

Conditions:
Hereditary cancer-predisposing syndrome. Also called: Hereditary Cancer Syndrome; Neoplastic Syndromes, Hereditary; Tumor predisposition; Hereditary neoplastic syndrome. Identifiers: Orphanet 140162, MedGen C0027672, MeSH D009386, MONDO:0015356.

Submission:

Color Diagnostics, LLC DBA Color Health
Classification: Uncertain significance for Hereditary cancer-predisposing syndrome. Last evaluated: 2023-12-04. Review status: criteria provided, single submitter. Criteria: ACMG Guidelines, 2015. Collection method: clinical testing. Allele origin: germline.
Comment: This missense variant replaces glycine with glutamic acid at codon 487 of the APC protein. To our knowledge, functional studies have not been reported for this variant. This variant has not been reported in individuals affected with APC-related disorders in the literature. This variant has not been identified in the general population by the Genome Aggregation Database (gnomAD). The available evidence is insufficient to determine the role of this variant in disease conclusively. Therefore, this variant is classified as a Variant of Uncertain Significance.